The following is an entry in ClinVar:

NM_001048174.2(MUTYH):c.613G>C (p.Gly205Arg)

Gene: MUTYH (mutY DNA glycosylase; minus strand). Cytogenetic location: 1p34.1.
Variant type: single nucleotide variant.
Coding change: c.613G>C on transcript NM_001048174.2 (MANE Select); coding-DNA position 613, G replaced by C.
Protein change: p.Gly205Arg; replaces glycine 205 with arginine.
Molecular consequence: missense variant. On other transcripts: non-coding transcript variant (2).
Genome position (GRCh38, 1-based): chr1:45,332,482, C>G on the plus strand (G>C on the coding strand, the complement: MUTYH is on the minus strand). VCF-style: chr1-45332482-C-G. GRCh37 (hg19) VCF-style: chr1-45798154-C-G.
Other names: c.613G>C, p.Gly205Arg (NM_001048171.2, NM_001048173.2, NM_001293195.2); c.616G>C, p.Gly206Arg (NM_001048172.2); c.697G>C, p.Gly233Arg (NM_001128425.2); c.658G>C, p.Gly220Arg (NM_001293190.2); c.646G>C, p.Gly216Arg (NM_001293191.2); c.337G>C, p.Gly113Arg (NM_001293192.2, NM_001293196.2); c.268G>C, p.Gly90Arg (NM_001350650.2, NM_001350651.2); c.688G>C, p.Gly230Arg (NM_012222.3); short protein forms G233R, G113R, G205R, G206R, G216R, G90R, G220R, G230R.
Identifiers: ClinVar variation 483931 (VCV000483931.23), dbSNP rs377639760, ClinGen allele CA058769.

ClinVar aggregate classification (germline): Conflicting classifications of pathogenicity. Review status: criteria provided, conflicting classifications (1 of 4 stars). 7 submissions from 7 submitters: Likely pathogenic (2); Uncertain significance (5). Last evaluated 2026-08-25.

Conditions:
Familial adenomatous polyposis 2. Also called: MYH-associated polyposis; Adenomas, multiple colorectal; MUTYH-associated polyposis; MUTYH Polyposis; COLORECTAL ADENOMATOUS POLYPOSIS, AUTOSOMAL RECESSIVE; ADENOMAS, MULTIPLE COLORECTAL, AUTOSOMAL RECESSIVE. Identifiers: Orphanet 220460, Orphanet 247798, MedGen C3272841, MONDO:0012041, OMIM 608456.
Hereditary cancer-predisposing syndrome. Also called: Tumor predisposition; Neoplastic Syndromes, Hereditary; Hereditary Cancer Syndrome; Hereditary neoplastic syndrome. Identifiers: Orphanet 140162, MedGen C0027672, MeSH D009386, MONDO:0015356.

Allele frequency attached by ClinVar (database versions not stated): gnomAD exomes below 0.00001; TOPMed 0.00001; ESP Exome Variant Server 0.00008; ExAC 0.00001.

Submissions (7):

Myriad Genetics, Inc.
Classification: Likely pathogenic for Familial adenomatous polyposis 2. Last evaluated: 2026-08-25. Review status: criteria provided, single submitter. Criteria: Myriad Autosomal Dominant, Autosomal Recessive and X-Linked Classification Criteria (2023). Collection method: clinical testing. Allele origin: unknown.
Comment: This variant is considered likely pathogenic. Functional studies indicate this variant impacts protein function [PMID: 40738107]. This variant is expected to disrupt protein structure [Myriad internal data].

Labcorp Genetics (formerly Invitae), Labcorp
Classification: Uncertain significance for Familial adenomatous polyposis 2. Last evaluated: 2025-03-19. Review status: criteria provided, single submitter. Criteria: Invitae Variant Classification Sherloc (09022015). Collection method: clinical testing. Allele origin: germline.
Comment: This sequence change replaces glycine, which is neutral and non-polar, with arginine, which is basic and polar, at codon 233 of the MUTYH protein (p.Gly233Arg). This variant is present in population databases (rs377639760, gnomAD 0.007%). This variant has not been reported in the literature in individuals affected with MUTYH-related conditions. ClinVar contains an entry for this variant (Variation ID: 483931). An algorithm developed to predict the effect of missense changes on protein structure and function (PolyPhen-2) suggests that this variant is likely to be disruptive. In summary, the available evidence is currently insufficient to determine the role of this variant in disease. Therefore, it has been classified as a Variant of Uncertain Significance.

Ambry Genetics
Classification: Likely pathogenic for Hereditary cancer-predisposing syndrome. Last evaluated: 2025-03-05. Review status: criteria provided, single submitter. Criteria: Ambry Variant Classification Scheme 2023. Collection method: clinical testing. Allele origin: germline.
Comment: The p.G233R variant (also known as c.697G>C), located in coding exon 9 of the MUTYH gene, results from a G to C substitution at nucleotide position 697. The glycine at codon 233 is replaced by arginine, an amino acid with dissimilar properties. Based on internal structural analysis, G233R is strongly disruptive to the active site of MUTYH, a region enriched with pathogenic variants (Guan Y et al. Nat Struct Biol, 1998 Dec;5:1058-64; Manuel RC et al. J Biol Chem, 2004 Nov;279:46930-9; Luncsford PJ et al. J Mol Biol, 2010 Oct;403:351-70). This amino acid position is well conserved in available vertebrate species. In addition, this alteration is predicted to be deleterious by in silico analysis. Based on the majority of available evidence to date, this variant is likely to be pathogenic.

GeneDx
Classification: Uncertain significance. Last evaluated: 2024-06-24. Review status: criteria provided, single submitter. Criteria: GeneDx Variant Classification Process June 2021. Collection method: clinical testing. Allele origin: germline. Affected: yes.
Comment: Not observed at significant frequency in large population cohorts (gnomAD); In silico analysis supports that this missense variant has a deleterious effect on protein structure/function; Has not been previously published as pathogenic or benign to our knowledge; This variant is associated with the following publications: (PMID: 37201251, 23108399, 11801590)

Color Diagnostics, LLC DBA Color Health
Classification: Uncertain significance for Hereditary cancer-predisposing syndrome. Last evaluated: 2024-06-11. Review status: criteria provided, single submitter. Criteria: ACMG Guidelines, 2015. Collection method: clinical testing. Allele origin: germline.
Comment: This missense variant replaces glycine with arginine at codon 233 of the MUTYH protein. Computational prediction suggests that this variant may have deleterious impact on protein structure and function. To our knowledge, functional studies have not been reported for this variant. This variant has not been reported in individuals affected with MUTYH-related disorders in the literature. This variant has been identified in 1/250604 chromosomes in the general population by the Genome Aggregation Database (gnomAD). The available evidence is insufficient to determine the role of this variant in disease conclusively. Therefore, this variant is classified as a Variant of Uncertain Significance.

Quest Diagnostics Nichols Institute San Juan Capistrano
Classification: Uncertain significance. Last evaluated: 2023-08-16. Review status: criteria provided, single submitter. Criteria: Quest Diagnostics criteria. Collection method: clinical testing. Allele origin: unknown.
Comment: This variant has not been reported in individuals with MUTYH-related conditions in the published literature. The frequency of this variant in the general population, 0.000004 (1/250604 chromosomes (Genome Aggregation Database)), is uninformative in the assessment of its pathogenicity. Analysis of this variant using bioinformatics tools for the prediction of the effect of amino acid changes on protein structure and function yielded predictions that this variant is damaging. Based on the available information, we are unable to determine the clinical significance of this variant.

All of Us Research Program, National Institutes of Health
Classification: Uncertain significance for Familial adenomatous polyposis 2. Last evaluated: 2023-08-15. Review status: criteria provided, single submitter. Criteria: ACMG Guidelines, 2015. Collection method: clinical testing. Allele origin: germline. Inheritance: Autosomal recessive inheritance. Observed: 1 variant allele, 1 heterozygote.
Comment: This missense variant replaces glycine with arginine at codon 233 of the MUTYH protein. Computational prediction suggests that this variant may have deleterious impact on protein structure and function (internally defined REVEL score threshold >= 0.7, PMID: 27666373). To our knowledge, functional studies have not been reported for this variant. This variant has not been reported in individuals affected with MUTYH-related disorders in the literature. This variant has been identified in 1/250604 chromosomes in the general population by the Genome Aggregation Database (gnomAD). The available evidence is insufficient to determine the role of this variant in disease conclusively. Therefore, this variant is classified as a Variant of Uncertain Significance.

This study involves interpretation of variants in research participants for the purpose of population health screening. Participant phenotype was not available at the time of variant classification. Additional details can be found in publication PMID: 35346344, PMCID: PMC8962531

Literature cited by the submitters: PubMed 40738107 (cited by Myriad Genetics, Inc.); PubMed 15326180 (cited by Ambry Genetics); PubMed 20816984 (cited by Ambry Genetics); PubMed 9846876 (cited by Ambry Genetics); PubMed 37201251 (cited by Quest Diagnostics Nichols Institute San Juan Capistrano).